The following is an entry in ClinVar:

NM_000059.4(BRCA2):c.5607T>A (p.Ser1869Arg)

Gene: BRCA2 (BRCA2 DNA repair associated; plus strand). Cytogenetic location: 13q13.1.
Variant type: single nucleotide variant.
Coding change: c.5607T>A on transcript NM_000059.4 (MANE Select); coding-DNA position 5607, T replaced by A.
Protein change: p.Ser1869Arg; replaces serine 1869 with arginine.
Molecular consequence: missense variant.
Genome position (GRCh38, 1-based): chr13:32,339,962, T>A. VCF-style: chr13-32339962-T-A. GRCh37 (hg19) VCF-style: chr13-32914099-T-A.
Other names: c.5607T>A, p.Ser1869Arg (NM_001406719.1, NM_001406720.1); short protein forms S1869R.
Identifiers: ClinVar variation 2112033 (VCV002112033.6), dbSNP rs2137519078, ClinGen allele CA387786075.

ClinVar aggregate classification (germline): Conflicting classifications of pathogenicity. Review status: criteria provided, conflicting classifications (1 of 4 stars). 2 submissions from 2 submitters: Uncertain significance (1); Likely benign (1). Last evaluated 2023-03-23.

Conditions:
Hereditary breast ovarian cancer syndrome. Also called: Hereditary breast and ovarian cancer syndrome; Hereditary breast and ovarian cancer; Hereditary breast and ovarian cancer syndrome (HBOC); Hereditary breast and/or ovarian cancer syndrome; Breast and ovarian cancer; BRCA1- and BRCA2-Associated Hereditary Breast and Ovarian Cancer. Identifiers: Orphanet 145, MedGen C0677776, MeSH D061325, MONDO:0003582. Disease mechanism: loss of function.
Hereditary cancer-predisposing syndrome. Also called: Neoplastic Syndromes, Hereditary; Tumor predisposition; Hereditary Cancer Syndrome; Hereditary neoplastic syndrome. Identifiers: Orphanet 140162, MedGen C0027672, MeSH D009386, MONDO:0015356.

Submissions (2):

University of Washington Department of Laboratory Medicine, University of Washington
Classification: Likely benign for Hereditary cancer-predisposing syndrome. Last evaluated: 2023-03-23. Review status: criteria provided, single submitter. Criteria: Dines et al. (Genet Med. 2020). Collection method: curation. Allele origin: germline.
Comment: Missense variant in a coldspot region where missense variants are very unlikely to be pathogenic (PMID:31911673).

BRCA2 exon 11 coldspot. Reclassification based on statistical prior probability.

Labcorp Genetics (formerly Invitae), Labcorp
Classification: Uncertain significance for Hereditary breast ovarian cancer syndrome. Last evaluated: 2022-03-17. Review status: criteria provided, single submitter. Criteria: Invitae Variant Classification Sherloc (09022015). Collection method: clinical testing. Allele origin: germline.
Comment: In summary, the available evidence is currently insufficient to determine the role of this variant in disease. Therefore, it has been classified as a Variant of Uncertain Significance. Advanced modeling of protein sequence and biophysical properties (such as structural, functional, and spatial information, amino acid conservation, physicochemical variation, residue mobility, and thermodynamic stability) performed at Invitae indicates that this missense variant is not expected to disrupt BRCA2 protein function. This variant has not been reported in the literature in individuals affected with BRCA2-related conditions. This variant is not present in population databases (gnomAD no frequency). This sequence change replaces serine, which is neutral and polar, with arginine, which is basic and polar, at codon 1869 of the BRCA2 protein (p.Ser1869Arg).